The following is an entry in ClinVar:

NM_170606.3(KMT2C):c.4174C>G (p.Gln1392Glu)

Gene: KMT2C (lysine methyltransferase 2C; minus strand). Cytogenetic location: 7q36.1.
Variant type: single nucleotide variant.
Coding change: c.4174C>G on transcript NM_170606.3 (MANE Select); coding-DNA position 4174, C replaced by G.
Protein change: p.Gln1392Glu; replaces glutamine 1392 with glutamic acid.
Molecular consequence: missense variant.
Genome position (GRCh38, 1-based): chr7:152,199,378, G>C on the plus strand (C>G on the coding strand, the complement: KMT2C is on the minus strand). VCF-style: chr7-152199378-G-C. GRCh37 (hg19) VCF-style: chr7-151896463-G-C.
Other names: short protein forms Q1392E.
Identifiers: ClinVar variation 989341 (VCV000989341.4), dbSNP rs2094064141, ClinGen allele CA370107276.

ClinVar aggregate classification (germline): Uncertain significance (1 of 4 stars; one submission).

Conditions:
KMT2C-related disorder. Also called: KMT2C-related disorders; KMT2C-related condition.

Submission:

Illumina Laboratory Services, Illumina
Classification: Uncertain significance for KMT2C-related disorders. Last evaluated: 2019-04-01. Review status: criteria provided, single submitter. Criteria: ICSLVariantClassificationCriteria RUGD 01 April 2020. Collection method: clinical testing. Allele origin: unknown.
Comment: The KMT2C c.4174C>G (p.Gln1392Glu) variant is a missense variant. A literature search was performed for the gene, cDNA change, and amino acid change. No publications were found based on this search. This variant is not found in the Genome Aggregation Database in a region of good sequence coverage so the variant is presumed to be rare. Based on the limited evidence, the p.Gln1392Glu variant is classified as a variant of uncertain significance for KMT2C-related disorders.